The following is an entry in ClinVar:

ClinVar aggregate classification (germline): Pathogenic (1 of 4 stars; one submission).

Conditions:
Camptomelic dysplasia (CMPD). Also called: CMPD1/SRA1; Campomelic Dysplasia. Identifiers: Orphanet 140, MedGen C1861922, MONDO:0007251, OMIM 114290.

Submission:

Labcorp Genetics (formerly Invitae), Labcorp
Classification: Pathogenic for Camptomelic dysplasia. Last evaluated: 2021-06-18. Review status: criteria provided, single submitter. Criteria: Invitae Variant Classification Sherloc (09022015). Collection method: clinical testing. Allele origin: germline.
Comment: Advanced modeling of protein sequence and biophysical properties (such as structural, functional, and spatial information, amino acid conservation, physicochemical variation, residue mobility, and thermodynamic stability) performed at Invitae indicates that this missense variant is expected to disrupt SOX9 protein function. Experimental studies have shown that this variant affects SOX9 protein function (PMID: 26740947). This variant disrupts the p.Pro176 amino acid residue in SOX9. Other variant(s) that disrupt this residue have been determined to be pathogenic (Invitae). This suggests that this residue is clinically significant, and that variants that disrupt this residue are likely to be disease-causing. For these reasons, this variant has been classified as Pathogenic. This variant is also known as c.899C>T. This variant has been observed in individual(s) with campomelic acampomelic dysplasia (PMID: 15300742). In at least one individual the variant was observed to be de novo. This variant is not present in population databases (ExAC no frequency). This sequence change replaces proline with leucine at codon 176 of the SOX9 protein (p.Pro176Leu). The proline residue is highly conserved and there is a moderate physicochemical difference between proline and leucine.

Literature cited by the submitters: PubMed 26740947; PubMed 15300742.

NM_000346.4(SOX9):c.527C>T (p.Pro176Leu)

Gene: SOX9 (SRY-box transcription factor 9; plus strand). Cytogenetic location: 17q24.3.
Variant type: single nucleotide variant.
Coding change: c.527C>T on transcript NM_000346.4 (MANE Select); coding-DNA position 527, C replaced by T.
Protein change: p.Pro176Leu; replaces proline 176 with leucine.
Molecular consequence: missense variant.
Genome position (GRCh38, 1-based): chr17:72,122,814, C>T. VCF-style: chr17-72122814-C-T. GRCh37 (hg19) VCF-style: chr17-70118955-C-T.
Other names: short protein forms P176L.
Identifiers: ClinVar variation 1454687 (VCV001454687.8), dbSNP rs1555629170, ClinGen allele CA400866495.